The following is an entry in ClinVar:

ClinVar aggregate classification (germline): Uncertain significance (1 of 4 stars; one submission).

Conditions:
Congenital contractural arachnodactyly (CCA). Also called: Arthrogryposis, distal, type 9; BEALS SYNDROME; Beals-Hecht syndrome. Identifiers: Orphanet 115, MedGen C0220668, MONDO:0007363, OMIM 121050.

Submission:

Labcorp Genetics (formerly Invitae), Labcorp
Classification: Uncertain significance for Congenital contractural arachnodactyly. Last evaluated: 2020-11-06. Review status: criteria provided, single submitter. Criteria: Invitae Variant Classification Sherloc (09022015). Collection method: clinical testing. Allele origin: germline.
Comment: This sequence change replaces serine with asparagine at codon 2889 of the FBN2 protein (p.Ser2889Asn). The serine residue is moderately conserved and there is a small physicochemical difference between serine and asparagine. In summary, the available evidence is currently insufficient to determine the role of this variant in disease. Therefore, it has been classified as a Variant of Uncertain Significance. Advanced modeling of protein sequence and biophysical properties (such as structural, functional, and spatial information, amino acid conservation, physicochemical variation, residue mobility, and thermodynamic stability) performed at Invitae indicates that this missense variant is not expected to disrupt FBN2 protein function. This variant has not been reported in the literature in individuals with FBN2-related conditions. This variant is not present in population databases (ExAC no frequency).

NM_001999.4(FBN2):c.8666G>A (p.Ser2889Asn)

Gene: FBN2 (fibrillin 2; minus strand). Cytogenetic location: 5q23.3.
Variant type: single nucleotide variant.
Coding change: c.8666G>A on transcript NM_001999.4 (MANE Select); coding-DNA position 8666, G replaced by A.
Protein change: p.Ser2889Asn; replaces serine 2889 with asparagine.
Molecular consequence: missense variant.
Genome position (GRCh38, 1-based): chr5:128,259,528, C>T on the plus strand (G>A on the coding strand, the complement: FBN2 is on the minus strand). VCF-style: chr5-128259528-C-T. GRCh37 (hg19) VCF-style: chr5-127595220-C-T.
Other names: short protein forms S2889N.
Identifiers: ClinVar variation 1482063 (VCV001482063.8), dbSNP rs2126791602, ClinGen allele CA360744952.
Genomic context (GRCh38, chr5:128,259,528, plus strand): 5'-ATCTGCAGCCTCATTCTGAGAGCCTCCCCAAGCTCCCCTAGGAGGTAGTCATCCTCATTG[C>T]TCTCTTCCAGTTTCTTAAGCTCCTTCTTCTTGTAGAGAGGGATGCTAGTGATTTCCAGTG-3'
Protein context (NP_001990.2, residues 2879-2899): KKKELKKLEE[Ser2889Asn]NEDDYLLGEL